The following is an entry in ClinVar:

NM_000548.5(TSC2):c.41del (p.Lys14fs)

Gene: TSC2 (TSC complex subunit 2; plus strand). Cytogenetic location: 16p13.3.
Variant type: Deletion.
Coding change: c.41del on transcript NM_000548.5 (MANE Select); coding-DNA position 41, one base deleted (A; older notation c.41delA).
Protein change: p.Lys14fs; shifts the reading frame from lysine 14.
Molecular consequence: frameshift variant. On other transcripts: 5 prime UTR variant (1), intron variant (1).
Genome position (GRCh38, 1-based): chr16:2,048,656, A deleted; the last of 2 consecutive A bases (chr16:2,048,655-2,048,656); deleting either gives the same sequence. VCF-style (leftmost placement, unchanged base first): chr16-2048654-GA-G. GRCh37 (hg19) VCF-style: chr16-2098655-GA-G.
Other names: c.41del, p.Lys14fs (NM_001077183.3, NM_001114382.3, NM_001318827.2 and 4 more transcripts); c.-186del (NM_001318831.2); c.74del, p.Lys25fs (NM_001318832.2); c.-10+591del (NM_001318829.2); short protein forms K14fs, K25fs.
Identifiers: ClinVar variation 943947 (VCV000943947.7), dbSNP rs2084674122, ClinGen allele CA1139664325.
Genomic context (GRCh38, chr16:2,048,654, plus strand): 5'-TTCTGGTGCGTCCTGGTCCACCATGGCCAAACCAACAAGCAAAGATTCAGGCTTGAAGGA[GA>G]AGTTTAAGATTCTGTTGGGACTGGGAACACCGAGGCCAAATCCCAGGTCTGCAGAGGGTA-3'

ClinVar aggregate classification (germline): Pathogenic (1 of 4 stars; one submission).

Conditions:
Tuberous sclerosis 2 (TSC2). Identifiers: Orphanet 805, MedGen C1860707, MONDO:0013199, OMIM 613254.

Submission:

Labcorp Genetics (formerly Invitae), Labcorp
Classification: Pathogenic for Tuberous sclerosis 2. Last evaluated: 2019-04-09. Review status: criteria provided, single submitter. Criteria: Invitae Variant Classification Sherloc (09022015). Collection method: clinical testing. Allele origin: germline.
Comment: This sequence change creates a premature translational stop signal (p.Lys14Serfs*32) in the TSC2 gene. It is expected to result in an absent or disrupted protein product. This variant is not present in population databases (ExAC no frequency). This variant has not been reported in the literature in individuals with TSC2-related conditions. Loss-of-function variants in TSC2 are known to be pathogenic (PMID: 10205261, 17304050). For these reasons, this variant has been classified as Pathogenic.

Literature cited by the submitters: PubMed 10205261; PubMed 17304050.